The following is an entry in ClinVar:

NC_000006.12:g.152409709_152409712dup

Gene: SYNE1 (spectrin repeat containing nuclear envelope protein 1; minus strand). Cytogenetic location: 6q25.2.
Variant type: Duplication.
Genome position: GRCh38 VCF-style: chr6-152409705-C-CCTGA. GRCh37 (hg19) VCF-style: chr6-152730840-C-CCTGA.
Identifiers: ClinVar variation 4792737 (VCV004792737.1).
Genomic context (GRCh38, chr6:152,409,705, plus strand): 5'-ATACAGCTGATTTCAGGTTCTGATATTCTCTCATTAAGTCAATAAGTCCACAGCACTGAC[C>CCTGA]CTGACTGTAATGATTAAAGAAAATATATTATTTGGTGTCATGTATCAGGAAAAGGGAGAG-3'

ClinVar aggregate classification (germline): Pathogenic (1 of 4 stars; one submission).

Conditions:
Emery-Dreifuss muscular dystrophy 4, autosomal dominant (EDMD4). Also called: EMERY-DREIFUSS MUSCULAR DYSTROPHY 4 WITH VARIABLE FEATURES. Identifiers: Orphanet 261, MedGen C2751807, MONDO:0013071, OMIM 612998.
Autosomal recessive ataxia, Beauce type. Also called: Spinocerebellar ataxia, autosomal recessive 8; ATAXIA, RECESSIVE, OF BEAUCE; SYNE1 Deficiency; SYNE1-Related Autosomal Recessive Cerebellar Ataxia. Identifiers: Orphanet 88644, MedGen C1853116, MONDO:0012549, OMIM 610743.

Submission:

Labcorp Genetics (formerly Invitae), Labcorp
Classification: Pathogenic for Emery-Dreifuss muscular dystrophy 4, autosomal dominant; Autosomal recessive ataxia, Beauce type. Last evaluated: 2025-03-05. Review status: criteria provided, single submitter. Criteria: Invitae Variant Classification Sherloc (09022015). Collection method: clinical testing. Allele origin: germline.
Comment: This sequence change creates a premature translational stop signal (p.Gly2086Serfs*9) in the SYNE1 gene. It is expected to result in an absent or disrupted protein product. Loss-of-function variants in SYNE1 are known to be pathogenic (PMID: 19542096, 24319099, 27086870). This variant is not present in population databases (gnomAD no frequency). This variant has not been reported in the literature in individuals affected with SYNE1-related conditions. For these reasons, this variant has been classified as Pathogenic.

Literature cited by the submitters: PubMed 19542096; PubMed 24319099; PubMed 27086870.